The following is an entry in ClinVar:

NM_138694.4(PKHD1):c.6866-1G>C

Gene: PKHD1 (PKHD1 ciliary IPT domain containing fibrocystin/polyductin; minus strand). Cytogenetic location: 6p12.2.
Variant type: single nucleotide variant.
Coding change: c.6866-1G>C on transcript NM_138694.4 (MANE Select); the canonical splice acceptor site of the intron before coding-DNA position 6866, G replaced by C.
Molecular consequence: splice acceptor variant.
Genome position (GRCh38, 1-based): chr6:51,903,728, C>G on the plus strand (G>C on the coding strand, the complement: PKHD1 is on the minus strand). VCF-style: chr6-51903728-C-G. GRCh37 (hg19) VCF-style: chr6-51768526-C-G.
Other names: c.6866-1G>C (NM_170724.3).
Identifiers: ClinVar variation 858971 (VCV000858971.10), dbSNP rs1781631365, ClinGen allele CA364430258.

ClinVar aggregate classification (germline): Likely pathogenic (1 of 4 stars; one submission).

Conditions:
Autosomal recessive polycystic kidney disease (ARPKD). Also called: AR polycystic kidney disease. Identifiers: Orphanet 731, Orphanet 8378, MedGen C0085548, MeSH D017044, MONDO:0009889.

Submission:

Labcorp Genetics (formerly Invitae), Labcorp
Classification: Likely pathogenic for Autosomal recessive polycystic kidney disease. Last evaluated: 2023-06-11. Review status: criteria provided, single submitter. Criteria: Invitae Variant Classification Sherloc (09022015). Collection method: clinical testing. Allele origin: germline.
Comment: In summary, the currently available evidence indicates that the variant is pathogenic, but additional data are needed to prove that conclusively. Therefore, this variant has been classified as Likely Pathogenic. Algorithms developed to predict the effect of sequence changes on RNA splicing suggest that this variant may disrupt the consensus splice site. ClinVar contains an entry for this variant (Variation ID: 858971). Disruption of this splice site has been observed in individual(s) with clinical features of polycystic kidney disease (Invitae). This variant is not present in population databases (gnomAD no frequency). This sequence change affects an acceptor splice site in intron 42 of the PKHD1 gene. It is expected to disrupt RNA splicing. Variants that disrupt the donor or acceptor splice site typically lead to a loss of protein function (PMID: 16199547), and loss-of-function variants in PKHD1 are known to be pathogenic (PMID: 19940839).

Literature cited by the submitters: PubMed 16199547; PubMed 19940839.